The following is an entry in ClinVar:

NM_020320.5(RARS2):c.685C>T (p.Arg229Ter)

Gene: RARS2 (arginyl-tRNA synthetase 2, mitochondrial; minus strand). Cytogenetic location: 6q15.
Variant type: single nucleotide variant.
Coding change: c.685C>T on transcript NM_020320.5 (MANE Select); coding-DNA position 685, C replaced by T.
Protein change: p.Arg229Ter; replaces arginine 229 with a stop codon.
Molecular consequence: nonsense. On other transcripts: non-coding transcript variant (23).
Genome position (GRCh38, 1-based): chr6:87,530,870, G>A on the plus strand (C>T on the coding strand, the complement: RARS2 is on the minus strand). VCF-style: chr6-87530870-G-A. GRCh37 (hg19) VCF-style: chr6-88240588-G-A.
Other names: c.160C>T, p.Arg54Ter (NM_001318785.2, NM_001350506.2, NM_001350507.2 and 4 more transcripts); c.685C>T, p.Arg229Ter (NM_001350505.2); c.685C>T (NM_020320.4); short protein forms R229*, R54*.
Identifiers: ClinVar variation 620219 (VCV000620219.9), dbSNP rs769473411, ClinGen allele CA3916552.

ClinVar aggregate classification (germline): Pathogenic/Likely pathogenic. Review status: criteria provided, multiple submitters, no conflicts (2 of 4 stars). 6 submissions from 6 submitters: Pathogenic (4); Likely pathogenic (2). Last evaluated 2026-01-26.

Conditions:
Pontocerebellar hypoplasia type 6 (PCH6). Identifiers: Orphanet 166073, MedGen C1969084, MONDO:0012683, OMIM 611523.

Allele frequency attached by ClinVar (database versions not stated): gnomAD 0.00001; gnomAD exomes 0.00001 and below 0.00001; ExAC 0.00001.
gnomAD v4.1: 4 of 1,614,006 alleles (0.00025%); highest among the groups gnomAD compares: East Asian, 0.0045%; no homozygotes.

Submissions (6):

Medical and Scientific Branch, Hong Kong Genome Institute
Classification: Likely pathogenic for Pontocerebellar hypoplasia type 6. Last evaluated: 2026-01-26. Review status: criteria provided, single submitter. Criteria: ACMG Guidelines, 2015. Collection method: clinical testing. Allele origin: paternal. Affected: yes.

Dasa
Classification: Pathogenic. Last evaluated: 2025-10-16. Review status: criteria provided, single submitter. Criteria: DASA Assertion Criteria. Collection method: clinical testing. Allele origin: germline.
Comment: NM_020320.5(RARS2):c.685C>T (p.Arg229*) introduces a premature termination codon predicted to result in loss of normal protein function. Loss-of-function is an established mechanism of disease for this gene. This variant has been observed in affected individuals with related phenotype in a genotype context consistent with recessive disease (PMID: 35468344). This variant has been reported in individuals with related phenotype (PMID: 35468344). The variant is present at low frequency in population datasets. Based on the available data, this variant is classified as pathogenic.

Natera, Inc.
Classification: Pathogenic for Pontocerebellar hypoplasia, type 6. Last evaluated: 2025-04-14. Review status: criteria provided, single submitter. Criteria: Natera Variant Classification Schema (03/2026). Collection method: clinical testing. Allele origin: germline.
Comment: The c.685C>T variant in RARS2 is a nonsense variant predicted to introduce a stop codon at amino acid 229. This variant is expected to result in nonsense mediated decay, truncation, or a dysfunctional protein product. This variant is rare in the general population with a frequency below the threshold expected for the associated phenotype(s). This variant has been observed in one or more individuals affected with the associated recessive disease, as either homozygous or compound heterozygous with a second variant (PMID: 35468344, 38733322). Given the available evidence, this variant is classified as Pathogenic.

Baylor Genetics
Classification: Likely pathogenic for Pontocerebellar hypoplasia type 6. Last evaluated: 2023-10-09. Review status: criteria provided, single submitter. Criteria: ACMG Guidelines, 2015. Collection method: clinical testing. Allele origin: unknown.

Labcorp Genetics (formerly Invitae), Labcorp
Classification: Pathogenic. Last evaluated: 2023-04-11. Review status: criteria provided, single submitter. Criteria: Invitae Variant Classification Sherloc (09022015). Collection method: clinical testing. Allele origin: germline.
Comment: For these reasons, this variant has been classified as Pathogenic. ClinVar contains an entry for this variant (Variation ID: 620219). This variant has not been reported in the literature in individuals affected with RARS2-related conditions. This variant is present in population databases (rs769473411, gnomAD 0.006%). This sequence change creates a premature translational stop signal (p.Arg229*) in the RARS2 gene. It is expected to result in an absent or disrupted protein product. Loss-of-function variants in RARS2 are known to be pathogenic (PMID: 17847012, 22569581, 26083569).

GeneDx
Classification: Pathogenic. Last evaluated: 2018-06-04. Review status: criteria provided, single submitter. Criteria: GeneDx Variant Classification (06012015). Collection method: clinical testing. Allele origin: germline. Affected: yes.
Comment: The R229X variant in the RARS2 gene has not been reported previously as a pathogenic variant nor as a benign variant to our knowledge. This variant is predicted to cause loss of normal protein function either through protein truncation or nonsense-mediated mRNA decay. The R229X variant is not observed at a significant frequency in large population cohorts (Lek et al., 2016). The R229X variant is considered a pathogenic variant.

Literature cited by the submitters: PubMed 35468344 (cited by Dasa and Natera, Inc.); PubMed 38733322 (cited by Natera, Inc.); PubMed 17847012 (cited by Labcorp Genetics (formerly Invitae), Labcorp); PubMed 22569581 (cited by Labcorp Genetics (formerly Invitae), Labcorp); PubMed 26083569 (cited by Labcorp Genetics (formerly Invitae), Labcorp).